The following is an entry in ClinVar:

ClinVar aggregate classification (germline): Pathogenic/Likely pathogenic. Review status: criteria provided, multiple submitters, no conflicts (2 of 4 stars). 2 submissions from 2 submitters: Pathogenic (1); Likely pathogenic (1). Last evaluated 2022-04-18.

Conditions:
Osteogenesis imperfecta (OI). Identifiers: Orphanet 666, MedGen C0029434, MeSH D010013, MONDO:0019019.
Osteogenesis imperfecta type I (OI1). Also called: Lobstein's Disease; Lobstein disease; OI, TYPE I; OSTEOGENESIS IMPERFECTA TARDA; OSTEOGENESIS IMPERFECTA WITH BLUE SCLERAE; Osteogenesis imperfecta type 1. Identifiers: Orphanet 216796, Orphanet 666, MedGen C0023931, MONDO:0008146, OMIM 166200. Disease mechanism: loss of function.

Submissions (2):

Labcorp Genetics (formerly Invitae), Labcorp
Classification: Pathogenic for Osteogenesis imperfecta type I. Last evaluated: 2022-04-18. Review status: criteria provided, single submitter. Criteria: Invitae Variant Classification Sherloc (09022015). Collection method: clinical testing. Allele origin: germline.
Comment: For these reasons, this variant has been classified as Pathogenic. Algorithms developed to predict the effect of sequence changes on RNA splicing suggest that this variant may disrupt the consensus splice site. ClinVar contains an entry for this variant (Variation ID: 35910). Disruption of this splice site has been observed in individual(s) with osteogenesis imperfecta (PMID: 25963598). This variant is not present in population databases (gnomAD no frequency). This sequence change affects an acceptor splice site in intron 34 of the COL1A1 gene. It is expected to disrupt RNA splicing. Variants that disrupt the donor or acceptor splice site typically lead to a loss of protein function (PMID: 16199547), and loss-of-function variants in COL1A1 are known to be pathogenic (PMID: 7942841, 9295084, 9443882).

Women's Health and Genetics/Laboratory Corporation of America, LabCorp
Classification: Likely pathogenic for Osteogenesis Imperfecta. Last evaluated: 2011-08-18. Review status: criteria provided, single submitter. Criteria: LabCorp Variant Classification Summary - May 2015. Collection method: curation, clinical testing. Allele origin: germline. Inheritance: autosomal unknown. Affected: yes.
ClinVar note: Converted during submission from likely pathogenic to Likely pathogenic.

Literature cited by the submitters: PubMed 25963598 (cited by Labcorp Genetics (formerly Invitae), Labcorp); PubMed 16199547 (cited by Labcorp Genetics (formerly Invitae), Labcorp); PubMed 7942841 (cited by Labcorp Genetics (formerly Invitae), Labcorp); PubMed 9295084 (cited by Labcorp Genetics (formerly Invitae), Labcorp); PubMed 9443882 (cited by Labcorp Genetics (formerly Invitae), Labcorp).

NM_000088.4(COL1A1):c.2398-1G>C

Gene: COL1A1 (collagen type I alpha 1 chain; minus strand). Cytogenetic location: 17q21.33.
Variant type: single nucleotide variant.
Coding change: c.2398-1G>C on transcript NM_000088.4 (MANE Select); the canonical splice acceptor site of the intron before coding-DNA position 2398, G replaced by C.
Molecular consequence: splice acceptor variant.
Genome position (GRCh38, 1-based): chr17:50,190,381, C>G on the plus strand (G>C on the coding strand, the complement: COL1A1 is on the minus strand). VCF-style: chr17-50190381-C-G. GRCh37 (hg19) VCF-style: chr17-48267742-C-G.
Identifiers: ClinVar variation 35910 (VCV000035910.8), dbSNP rs193922147, ClinGen allele CA260294.